The following is an entry in ClinVar:

NM_017890.5(VPS13B):c.4180T>C (p.Leu1394=)

Gene: VPS13B (vacuolar protein sorting 13 homolog B; plus strand). Cytogenetic location: 8q22.2.
Variant type: single nucleotide variant.
Coding change: c.4180T>C on transcript NM_017890.5 (MANE Plus Clinical); coding-DNA position 4180, T replaced by C.
Protein change: p.Leu1394=; no amino-acid change (leucine 1394 retained).
Molecular consequence: synonymous variant. On other transcripts: intron variant (1).
Genome position (GRCh38, 1-based): chr8:99,507,792, T>C. VCF-style: chr8-99507792-T-C. GRCh37 (hg19) VCF-style: chr8-100520020-T-C.
Other names: c.4224+589T>C (NM_152564.5); c.4180T>C (NM_017890.4).
Identifiers: ClinVar variation 1161351 (VCV001161351.32), dbSNP rs1246500568, ClinGen allele CA462438811.

ClinVar aggregate classification (germline): Likely benign. Review status: criteria provided, multiple submitters, no conflicts (2 of 4 stars). 3 submissions from 3 submitters: Likely benign (2). 1 of the submissions does not count toward it. Last evaluated 2025-04-08.

Conditions:
VPS13B-related disorder. Also called: VPS13B-related condition.
Cohen syndrome (COH1). Also called: Cutis verticis gyrata, retinitis pigmentosa, and sensorineural deafness; PEPPER SYNDROME. Identifiers: Orphanet 193, MedGen C0265223, MONDO:0008999, OMIM 216550.

Allele frequency attached by ClinVar (database versions not stated): gnomAD exomes below 0.00001 and 0.00001.
gnomAD v4.1: 7 of 1,614,020 alleles (0.00043%); highest among the groups gnomAD compares: South Asian, 0.0055%; no homozygotes.

Submissions (3):

Labcorp Genetics (formerly Invitae), Labcorp
Classification: Likely benign for Cohen syndrome. Last evaluated: 2025-04-08. Review status: criteria provided, single submitter. Criteria: Invitae Variant Classification Sherloc (09022015). Collection method: clinical testing. Allele origin: germline.

CeGaT Center for Human Genetics Tuebingen
Classification: Likely benign. Last evaluated: 2022-03-01. Review status: criteria provided, single submitter. Criteria: CeGaT Center For Human Genetics Tuebingen Variant Classification Criteria Version 2. Collection method: clinical testing. Allele origin: germline. Affected: yes. Observed: 1 variant allele.
Comment: VPS13B: BP4, BP7

PreventionGenetics, part of Exact Sciences
Classification: Likely benign for VPS13B-related condition. Last evaluated: 2023-04-12. Review status: no assertion criteria provided. Collection method: clinical testing. Allele origin: germline. Not counted in ClinVar's aggregate classification.
Comment: This variant is classified as likely benign based on ACMG/AMP sequence variant interpretation guidelines (Richards et al. 2015 PMID: 25741868, with internal and published modifications).